The following is an entry in ClinVar:

NM_005529.7(HSPG2):c.11155C>T (p.Arg3719Trp)

Gene: HSPG2 (heparan sulfate proteoglycan 2; minus strand). Cytogenetic location: 1p36.12.
Variant type: single nucleotide variant.
Coding change: c.11155C>T on transcript NM_005529.7 (MANE Select); coding-DNA position 11155, C replaced by T.
Protein change: p.Arg3719Trp; replaces arginine 3719 with tryptophan.
Molecular consequence: missense variant.
Genome position (GRCh38, 1-based): chr1:21,832,547, G>A on the plus strand (C>T on the coding strand, the complement: HSPG2 is on the minus strand). VCF-style: chr1-21832547-G-A. GRCh37 (hg19) VCF-style: chr1-22159040-G-A.
Other names: c.11158C>T, p.Arg3720Trp (NM_001291860.2); c.11155C>T (NM_005529.5); short protein forms R3720W, R3719W.
Identifiers: ClinVar variation 1399244 (VCV001399244.6), dbSNP rs769283624, ClinGen allele CA669905.

ClinVar aggregate classification (germline): Uncertain significance. Review status: criteria provided, multiple submitters, no conflicts (2 of 4 stars). 2 submissions from 2 submitters: Uncertain significance (2). Last evaluated 2025-06-19.

Conditions:
Inborn genetic diseases. Identifiers: MedGen C0950123, MeSH D030342.

Allele frequency attached by ClinVar (database versions not stated): ExAC 0.00001; gnomAD exomes 0.00002 and 0.00003; TOPMed 0.00006; gnomAD 0.00008 and 0.00009.
gnomAD v4.1: 49 of 1,614,082 alleles (0.003%); highest among the groups gnomAD compares: East Asian, 0.011%; no homozygotes.

Submissions (2):

Ambry Genetics
Classification: Uncertain significance for Inborn genetic diseases. Last evaluated: 2025-06-19. Review status: criteria provided, single submitter. Criteria: Ambry Variant Classification Scheme 2023. Collection method: clinical testing. Allele origin: germline.

Labcorp Genetics (formerly Invitae), Labcorp
Classification: Uncertain significance. Last evaluated: 2021-09-24. Review status: criteria provided, single submitter. Criteria: Invitae Variant Classification Sherloc (09022015). Collection method: clinical testing. Allele origin: germline.
Comment: This sequence change replaces arginine with tryptophan at codon 3719 of the HSPG2 protein (p.Arg3719Trp). The arginine residue is weakly conserved and there is a moderate physicochemical difference between arginine and tryptophan. This variant is present in population databases (rs769283624, ExAC 0.006%). This variant has not been reported in the literature in individuals with HSPG2-related conditions. Algorithms developed to predict the effect of missense changes on protein structure and function are either unavailable or do not agree on the potential impact of this missense change (SIFT: "Deleterious"; PolyPhen-2: "Possibly Damaging"; Align-GVGD: "Class C0"). In summary, the available evidence is currently insufficient to determine the role of this variant in disease. Therefore, it has been classified as a Variant of Uncertain Significance.